The following is an entry in ClinVar:

ClinVar aggregate classification (germline): Benign (1 of 4 stars; one submission).

Conditions:
Lynch syndrome 5 (LYNCH5). Also called: Colorectal cancer, hereditary nonpolyposis, type 5; Hereditary non-polyposis colorectal cancer, type 5. Identifiers: Orphanet 144, MedGen C1833477, MONDO:0013710, OMIM 614350. Disease mechanism: loss of function.

Submission:

Myriad Genetics, Inc.
Classification: Benign for Lynch syndrome 5. Last evaluated: 2025-01-09. Review status: criteria provided, single submitter. Criteria: Myriad Autosomal Dominant, Autosomal Recessive and X-Linked Classification Criteria (2023). Collection method: clinical testing. Allele origin: unknown.
Comment: This variant is considered benign. This variant is a silent/synonymous amino acid change and it is not expected to impact splicing.

NM_000179.3(MSH6):c.4029A>C (p.Ser1343=)

Gene: MSH6 (mutS homolog 6; plus strand). Cytogenetic location: 2p16.3.
Variant type: single nucleotide variant.
Coding change: c.4029A>C on transcript NM_000179.3 (MANE Select); coding-DNA position 4029, A replaced by C.
Protein change: p.Ser1343=; no amino-acid change (serine 1343 retained).
Molecular consequence: synonymous variant. On other transcripts: 3 prime UTR variant (5), non-coding transcript variant (5).
Genome position (GRCh38, 1-based): chr2:47,806,806, A>C. VCF-style: chr2-47806806-A-C. GRCh37 (hg19) VCF-style: chr2-48033945-A-C.
Other names: c.3639A>C, p.Ser1213= (NM_001281492.2); c.3123A>C, p.Ser1041= (NM_001281493.2, NM_001281494.2, NM_001406811.1 and 6 more transcripts); c.4125A>C, p.Ser1375= (NM_001406795.1); c.4029A>C, p.Ser1343= (NM_001406796.1, NM_001406809.1); c.3732A>C, p.Ser1244= (NM_001406797.1, NM_001406805.1, NM_001406818.1 and 8 more transcripts); c.3855A>C, p.Ser1285= (NM_001406798.1); c.3504A>C, p.Ser1168= (NM_001406799.1, NM_001406806.1, NM_001406807.1); c.*50A>C (NM_001406800.1); and 9 more.
Identifiers: ClinVar variation 3904291 (VCV003904291.1).